The following is an entry in ClinVar:

NM_022455.5(NSD1):c.4681C>T (p.Gln1561Ter)

Gene: NSD1 (nuclear receptor binding SET domain protein 1; plus strand). Cytogenetic location: 5q35.3.
Variant type: single nucleotide variant.
Coding change: c.4681C>T on transcript NM_022455.5 (MANE Select); coding-DNA position 4681, C replaced by T.
Protein change: p.Gln1561Ter; replaces glutamine 1561 with a stop codon.
Molecular consequence: nonsense.
Genome position (GRCh38, 1-based): chr5:177,251,769, C>T. VCF-style: chr5-177251769-C-T. GRCh37 (hg19) VCF-style: chr5-176678770-C-T.
Other names: c.3808C>T, p.Gln1270Ter (NM_001365684.2, NM_001409306.1, NM_001409307.1 and 3 more transcripts); c.4681C>T, p.Gln1561Ter (NM_001409301.1, NM_001409302.1, NM_001409303.1); c.4261C>T, p.Gln1421Ter (NM_001409304.1); c.3928C>T, p.Gln1310Ter (NM_001409305.1); short protein forms Q1561*, Q1292*, Q1421*, Q1310*, Q1270*.
Identifiers: ClinVar variation 159340 (VCV000159340.8), dbSNP rs587784122, ClinGen allele CA294897.

ClinVar aggregate classification (germline): Pathogenic. Review status: criteria provided, multiple submitters, no conflicts (2 of 4 stars). 2 submissions from 2 submitters: Pathogenic (2). Last evaluated 2025-01-21.

Conditions:
Sotos syndrome (SOTOS). Also called: Distinctive facial appearance, overgrowth in childhood, and learning disabilities or delayed development; CEREBRAL GIGANTISM; Sotos' syndrome; CHROMOSOME 5q35 DELETION SYNDROME; SOTOS SYNDROME 1. Identifiers: Orphanet 821, MedGen C0175695, MONDO:0019349, OMIM 117550.

Submissions (2):

GeneDx
Classification: Pathogenic. Last evaluated: 2025-01-21. Review status: criteria provided, single submitter. Criteria: GeneDx Variant Classification Process June 2021. Collection method: clinical testing. Allele origin: germline. Affected: yes.
Comment: Identified in an individual with a clinical diagnosis of Sotos syndrome; detailed clinical information was not provided (PMID: 31319225); Nonsense variant predicted to result in protein truncation or nonsense mediated decay in a gene for which loss of function is a known mechanism of disease; Not observed at significant frequency in large population cohorts (gnomAD); This variant is associated with the following publications: (PMID: 31319225)

Genetic Services Laboratory, University of Chicago
Classification: Pathogenic for Sotos syndrome 1. Last evaluated: 2013-02-08. Review status: criteria provided, single submitter. Criteria: ACMG Guidelines, 2007. Collection method: clinical testing. Allele origin: germline. Inheritance: Autosomal dominant inheritance. Affected: yes.